The following is an entry in ClinVar:

ClinVar aggregate classification (germline): Pathogenic/Likely pathogenic. Review status: criteria provided, multiple submitters, no conflicts (2 of 4 stars). 4 submissions from 4 submitters: Pathogenic (2); Likely pathogenic (2). Last evaluated 2025-02-26.

Conditions:
Neurofibromatosis, type 1 (NF1). Also called: Peripheral type neurofibromatosis; Neurofibromatosis, type I; VON RECKLINGHAUSEN DISEASE; NEUROFIBROMATOSIS, TYPE I, SOMATIC. Identifiers: Orphanet 636, MedGen C0027831, MONDO:0018975, OMIM 162200. Disease mechanism: loss of function.
Neurofibromatosis-Noonan syndrome (NFNS). Also called: NEUROFIBROMATOSIS WITH NOONAN PHENOTYPE. Identifiers: Orphanet 638, MedGen C2931482, MONDO:0011035, OMIM 601321. Disease mechanism: loss of function.
Cardiovascular phenotype. Identifiers: MedGen CN230736.
Hereditary cancer-predisposing syndrome. Also called: Hereditary neoplastic syndrome; Hereditary Cancer Syndrome; Tumor predisposition; Neoplastic Syndromes, Hereditary. Identifiers: Orphanet 140162, MedGen C0027672, MeSH D009386, MONDO:0015356.

Submissions (4):

Ambry Genetics
Classification: Pathogenic for Cardiovascular phenotype; Hereditary cancer-predisposing syndrome. Last evaluated: 2025-02-26. Review status: criteria provided, single submitter. Criteria: Ambry Variant Classification Scheme 2023. Collection method: clinical testing. Allele origin: germline.
Comment: The c.4821dupA pathogenic mutation, located in coding exon 36 of the NF1 gene, results from a duplication of A at nucleotide position 4821, causing a translational frameshift with a predicted alternate stop codon (p.L1608Tfs*12). This alteration was identified in a cohort of 427 Korean patients with a confirmed or suspected clinical diagnosis of neurofibromatosis type 1. (Kang E et al. J Hum Genet, 2020 Jan;65:79-89). This alteration is expected to result in loss of function by premature protein truncation or nonsense-mediated mRNA decay. In addition to the clinical data presented in the literature, this alteration is interpreted as a disease-causing mutation.

Institute for Genomic Medicine (IGM) Clinical Laboratory, Nationwide Children's Hospital
Classification: Likely pathogenic for Neurofibromatosis, type 1. Last evaluated: 2024-09-16. Review status: criteria provided, single submitter. Criteria: ACMG Guidelines, 2015. Collection method: clinical testing. Allele origin: germline.
Comment: This variant is predicted to result in loss of function through nonsense-mediated decay of the encoded transcript or premature truncation of the encoded protein in a gene in which loss of function is a known mechanism of disease (ACMG/AMP: PVS1). This variant is absent from or present at an exceedingly low frequency in gnomAD, a large-scale control population database (ACMG/AMP: PM2).

Labcorp Genetics (formerly Invitae), Labcorp
Classification: Pathogenic for Neurofibromatosis, type 1. Last evaluated: 2024-07-01. Review status: criteria provided, single submitter. Criteria: Invitae Variant Classification Sherloc (09022015). Collection method: clinical testing. Allele origin: germline.
Comment: This sequence change creates a premature translational stop signal (p.Leu1608Thrfs*12) in the NF1 gene. It is expected to result in an absent or disrupted protein product. Loss-of-function variants in NF1 are known to be pathogenic (PMID: 10712197, 23913538). This variant is not present in population databases (gnomAD no frequency). This premature translational stop signal has been observed in individual(s) with clinical features of NF1-related conditions (PMID: 31776437). ClinVar contains an entry for this variant (Variation ID: 2430240). For these reasons, this variant has been classified as Pathogenic.

Center for Human Genetics and Genomic Medicine, Uniklinik Rwth Aachen
Classification: Likely pathogenic for Neurofibromatosis-Noonan syndrome. Review status: criteria provided, single submitter. Criteria: ACMG Guidelines, 2015. Collection method: clinical testing. Allele origin: unknown. Affected: yes.

Literature cited by the submitters: PubMed 31776437 (cited by Ambry Genetics and Labcorp Genetics (formerly Invitae), Labcorp); PubMed 10712197 (cited by Labcorp Genetics (formerly Invitae), Labcorp); PubMed 23913538 (cited by Labcorp Genetics (formerly Invitae), Labcorp).

NM_001042492.3(NF1):c.4884dup (p.Leu1629fs)

Gene: NF1 (neurofibromin 1; plus strand). Cytogenetic location: 17q11.2.
Variant type: Duplication.
Coding change: c.4884dup on transcript NM_001042492.3 (MANE Select); coding-DNA position 4884, one base duplicated (A; older notation c.4884dupA).
Protein change: p.Leu1629fs; shifts the reading frame from leucine 1629.
Molecular consequence: frameshift variant.
Genome position (GRCh38, 1-based): chr17:31,325,868, A duplicated. VCF-style (leftmost placement, unchanged base first): chr17-31325867-T-TA. GRCh37 (hg19) VCF-style: chr17-29652885-T-TA.
Other names: c.4821dup, p.Leu1608Thrfs (NM_000267.4); c.4821dupA (NM_000267.3); short protein forms L1608fs, L1629fs.
Identifiers: ClinVar variation 2430240 (VCV002430240.5), dbSNP rs2508694547, ClinGen allele CA2580092933.